The following is an entry in ClinVar:

NM_001353345.2(SETD1B):c.2986C>T (p.Arg996Ter)

Gene: SETD1B (SET domain containing 1B, histone lysine methyltransferase; plus strand). Cytogenetic location: 12q24.31.
Variant type: single nucleotide variant.
Coding change: c.2986C>T on transcript NM_001353345.2 (MANE Select); coding-DNA position 2986, C replaced by T.
Protein change: p.Arg996Ter; replaces arginine 996 with a stop codon.
Molecular consequence: nonsense.
Genome position (GRCh38, 1-based): chr12:121,817,378, C>T. VCF-style: chr12-121817378-C-T. GRCh37 (hg19) VCF-style: chr12-122255284-C-T.
Other names: short protein forms R996*.
Identifiers: ClinVar variation 3343935 (VCV003343935.2).

ClinVar aggregate classification (germline): Pathogenic (1 of 4 stars; one submission).

Submission:

GeneDx
Classification: Pathogenic. Last evaluated: 2026-07-21. Review status: criteria provided, single submitter. Criteria: GeneDx Variant Classification Process June 2021. Collection method: clinical testing. Allele origin: germline.
Comment: Nonsense variant predicted to result in protein truncation or nonsense mediated decay in a gene for which loss of function is a known mechanism of disease; Not observed at significant frequency in large population cohorts (gnomAD); Has not been previously published as pathogenic or benign to our knowledge